The following is an entry in ClinVar:

NM_001843.4(CNTN1):c.497-118C>T

Gene: CNTN1 (contactin 1; plus strand). Cytogenetic location: 12q12.
Variant type: single nucleotide variant.
Coding change: c.497-118C>T on transcript NM_001843.4 (MANE Select); 118 bases into the intron before coding-DNA position 497, C replaced by T.
Molecular consequence: intron variant.
Genome position (GRCh38, 1-based): chr12:40,929,678, C>T. VCF-style: chr12-40929678-C-T. GRCh37 (hg19) VCF-style: chr12-41323480-C-T.
Other names: c.497-118C>T (NM_001256063.2, NM_001256064.2); c.464-118C>T (NM_175038.2).
Identifiers: ClinVar variation 679153 (VCV000679153.1), dbSNP rs17622354, ClinGen allele CA15752228.

ClinVar aggregate classification (germline): Benign (1 of 4 stars; one submission).

Allele frequency attached by ClinVar (database versions not stated): 1000 Genomes Project 0.36781; 1000 Genomes Project 30x 0.37180; gnomAD exomes 0.38975; TOPMed 0.39566; gnomAD 0.40282 and 0.40616.
gnomAD v4.1: 297,375 of 757,198 alleles (39%); highest among the groups gnomAD compares: African/African-American, 44%; 59,405 homozygotes.

Submission:

GeneDx
Classification: Benign. Last evaluated: 2018-06-14. Review status: criteria provided, single submitter. Criteria: GeneDx Variant Classification (06012015). Collection method: clinical testing. Allele origin: germline. Affected: yes.
Comment: This variant is considered likely benign or benign based on one or more of the following criteria: it is a conservative change, it occurs at a poorly conserved position in the protein, it is predicted to be benign by multiple in silico algorithms, and/or has population frequency not consistent with disease.